The following is an entry in ClinVar:

ClinVar aggregate classification (germline): Conflicting classifications of pathogenicity. Review status: criteria provided, conflicting classifications (1 of 4 stars). 11 submissions from 11 submitters: Uncertain significance (7); Likely benign (2). 2 of the submissions do not count toward it. Last evaluated 2026-11-19.

Conditions:
SETD2-related disorder.
Inborn genetic diseases. Identifiers: MedGen C0950123, MeSH D030342.
Luscan-Lumish syndrome. Identifiers: Orphanet 597738, MedGen C4085873, MONDO:0014791, OMIM 616831.
Autism (AUTS). Also called: Autistic disorder; Autistic disorder of childhood onset. Identifiers: MedGen C0004352, MeSH D001321, MONDO:0005260, OMIM 209850, HP:0000717.
Short stature. Identifiers: MedGen C0349588, HP:0004322.

Allele frequency attached by ClinVar (database versions not stated): TOPMed 0.00030; 1000 Genomes Project 0.00060; ExAC 0.00007; gnomAD 0.00024 and 0.00023; gnomAD exomes 0.00003; 1000 Genomes Project 30x 0.00109.

Submissions (11):

Clinical Genetics Laboratory, Skane University Hospital Lund
Classification: Uncertain significance for Short stature; Autism. Last evaluated: 2026-11-19. Review status: criteria provided, single submitter. Criteria: ACMG Guidelines, 2015. Collection method: clinical testing. Allele origin: germline. Affected: yes. Observed: 1 variant allele.
Comment: ACMG criteria used: PVS1_Strong.

CeGaT Center for Human Genetics Tuebingen
Classification: Likely benign. Last evaluated: 2026-02-01. Review status: criteria provided, single submitter. Criteria: CeGaT Center For Human Genetics Tuebingen Variant Classification Criteria Version 2. Collection method: clinical testing. Allele origin: germline. Affected: yes. Observed: 3 variant alleles.
Comment: SETD2: BS1

Labcorp Genetics (formerly Invitae), Labcorp
Classification: Likely benign for Luscan-Lumish syndrome. Last evaluated: 2025-11-23. Review status: criteria provided, single submitter. Criteria: Invitae Variant Classification Sherloc (09022015). Collection method: clinical testing. Allele origin: germline.

Women's Health and Genetics/Laboratory Corporation of America, LabCorp
Classification: Uncertain significance. Last evaluated: 2025-06-10. Review status: criteria provided, single submitter. Criteria: LabCorp Variant Classification Summary - May 2015. Collection method: clinical testing. Allele origin: germline.
Comment: Variant summary: SETD2 c.19C>T (p.Gln7X) results in a premature termination codon, predicted to cause a truncation of the encoded protein or absence of the protein due to nonsense mediated decay. Pathogenic loss-of-function variants in SETD2 have been reported in the literature (PMID: 26084711, 24852293). However, there is an in-frame ATG codon (at Met 12) downstream from the variant of interest, with an appropriate context (i.e. Kozak consensus) for translational initiation that could generate an N-terminally truncated protein product with the loss of 11 N-terminal amino acids, and no pathogenic variants from the truncated region have been reported. The variant allele was found at a frequency of 3.2e-05 in 94066 control chromosomes. The available data on variant occurrences in the general population are insufficient to allow any conclusion about variant significance (gnomAD v2). A total of 83 heterozygotes of this variant have been reported in the gnomAD v4 database. c.19C>T has been reported in the literature in an individual affected with autism spectrum disorder (ASD), however, this patient had normal nonverbal intelligence (with no information on head circumference), and also was noted to carry a de novo 16p11.2 duplication (ORoak_2012). c.19C>T has also been observed in at-least 4 individuals affected with Luscan-Lumish Syndrome and a patient with pediatric cancer (Parra_2023, Zhang_2015). These report(s) do not provide unequivocal conclusions about association of the variant with Luscan-Lumish Syndrome. To our knowledge, no experimental evidence demonstrating an impact on protein function has been reported. The following publications have been ascertained in the context of this evaluation (PMID: 26084711, 23160955, 37372360, 30419952, 26580448, 29681085). ClinVar contains an entry for this variant (Variation ID: 521678). Based on the evidence outlined above, the variant was classified as uncertain significance.

Athena Diagnostics
Classification: Uncertain significance. Last evaluated: 2024-10-29. Review status: criteria provided, single submitter. Criteria: Athena Diagnostics Criteria. Collection method: clinical testing. Allele origin: unknown.

New York Genome Center
Classification: Uncertain significance for Luscan-Lumish syndrome. Last evaluated: 2022-09-12. Review status: criteria provided, single submitter. Criteria: NYGC Assertion Criteria 2020. Collection method: clinical testing. Allele origin: germline. Observed: 2 heterozygotes. Clinical features observed: Diabetes mellitus (HP:0000819), Hepatic steatosis (HP:0001397), Type 2 diabetes mellitus (HP:0005978).

Revvity Omics, Revvity
Classification: Uncertain significance. Last evaluated: 2020-12-21. Review status: criteria provided, single submitter. Criteria: ACMG Guidelines, 2015. Collection method: clinical testing. Allele origin: germline.

Baylor Genetics
Classification: Uncertain significance for Luscan-Lumish syndrome. Last evaluated: 2018-02-02. Review status: criteria provided, single submitter. Criteria: ACMG Guidelines, 2015. Collection method: clinical testing. Allele origin: unknown. Affected: yes.
Comment: This variant was determined to be of uncertain significance according to ACMG Guidelines, 2015 [PMID:25741868]. This variant has been reported in one patient (12736.p1) with autism spectrum disorder and it was inherited from the patient's mother [PMID: 23160955]

Ambry Genetics
Classification: Uncertain significance for Inborn genetic diseases. Last evaluated: 2016-06-08. Review status: criteria provided, single submitter. Criteria: Ambry exome assertion method (8-5-2015). Collection method: clinical testing. Allele origin: germline. Affected: yes. Observed: 1 variant allele.

PreventionGenetics, part of Exact Sciences
Classification: Likely benign for SETD2-related condition. Last evaluated: 2024-01-19. Review status: no assertion criteria provided. Collection method: clinical testing. Allele origin: germline. Not counted in ClinVar's aggregate classification.
Comment: This variant is classified as likely benign based on ACMG/AMP sequence variant interpretation guidelines (Richards et al. 2015 PMID: 25741868, with internal and published modifications).

Servicio de Genética Del Instituto Nacional de Salud Del Niño, Ministerio de Salud
Classification: Likely pathogenic for Luscan-Lumish syndrome. Last evaluated: 2024-11-18. Review status: flagged submission. Criteria: ACMG Guidelines, 2015. Collection method: clinical testing. Allele origin: germline. Inheritance: Autosomal dominant inheritance. Affected: yes. Not counted in ClinVar's aggregate classification.
Comment: The variant NM_014159.7:c.19C>T (p.Gln7)* introduces a premature stop codon at codon 7, likely resulting in a truncated protein or nonsense-mediated decay (NMD). One research study classified this variant as likely pathogenic based on the predicted loss-of-function effect
ClinVar note: Reason: Outlier claim with insufficient supporting evidence

Literature cited by the submitters: PubMed 26580448 (cited by Women's Health and Genetics/Laboratory Corporation of America, LabCorp); PubMed 26084711 (cited by Women's Health and Genetics/Laboratory Corporation of America, LabCorp); PubMed 23160955 (cited by 3 submitters); PubMed 30419952 (cited by Women's Health and Genetics/Laboratory Corporation of America, LabCorp); PubMed 29681085 (cited by Women's Health and Genetics/Laboratory Corporation of America, LabCorp); PubMed 37372360 (cited by 3 submitters); PubMed 33921431 (cited by Athena Diagnostics); PubMed 20864444 (cited by Ambry Genetics).

NM_014159.7(SETD2):c.19C>T (p.Gln7Ter)

Genes: KIF9-AS1 (KIF9 antisense RNA 1; plus strand), SETD2 (SET domain containing 2, histone lysine methyltransferase; minus strand), LOC129936665 (ATAC-STARR-seq lymphoblastoid silent region 14306; plus strand). Cytogenetic location: 3p21.31.
Variant type: single nucleotide variant.
Coding change: c.19C>T on transcript NM_014159.7 (MANE Select); coding-DNA position 19, C replaced by T.
Protein change: p.Gln7Ter; replaces glutamine 7 with a stop codon.
Molecular consequence: nonsense. On other transcripts: 5 prime UTR variant (1), non-coding transcript variant (1).
Genome position (GRCh38, 1-based): chr3:47,163,906, G>A on the plus strand (C>T on the coding strand, the complement: SETD2 is on the minus strand). VCF-style: chr3-47163906-G-A. GRCh37 (hg19) VCF-style: chr3-47205396-G-A.
Other names: c.-98C>T (NM_001349370.3); short protein forms Q7*.
Identifiers: ClinVar variation 521678 (VCV000521678.34), dbSNP rs541943893, ClinGen allele CA2363807.